The following is an entry in ClinVar:

ClinVar aggregate classification (germline): Uncertain significance. Review status: criteria provided, multiple submitters, no conflicts (2 of 4 stars). 2 submissions from 2 submitters: Uncertain significance (2). Last evaluated 2024-05-24.

Conditions:
Arthrogryposis, cleft palate, craniosynostosis, and impaired intellectual development. Identifiers: Orphanet 565858, MedGen C4748872, MONDO:0032642, OMIM 618265.
Developmental and epileptic encephalopathy 91. Also called: EPILEPTIC ENCEPHALOPATHY, INFANTILE OR EARLY CHILDHOOD, 1. Identifiers: MedGen C4540199, MONDO:0020630, OMIM 617711.

Allele frequency attached by ClinVar (database versions not stated): gnomAD exomes below 0.00001.
gnomAD v4.1: 3 of 1,611,024 alleles (0.00019%); highest among the groups gnomAD compares: African/African-American, 0.004%; no homozygotes.

Submissions (2):

Fulgent Genetics
Classification: Uncertain significance for Developmental and epileptic encephalopathy 91; Arthrogryposis, cleft palate, craniosynostosis, and impaired intellectual development. Last evaluated: 2024-05-24. Review status: criteria provided, single submitter. Criteria: ACMG Guidelines, 2015. Collection method: clinical testing. Allele origin: germline.

Labcorp Genetics (formerly Invitae), Labcorp
Classification: Uncertain significance. Last evaluated: 2022-12-15. Review status: criteria provided, single submitter. Criteria: Invitae Variant Classification Sherloc (09022015). Collection method: clinical testing. Allele origin: germline.
Comment: The frequency data for this variant in the population databases is considered unreliable, as metrics indicate poor data quality at this position in the gnomAD database. This sequence change replaces serine, which is neutral and polar, with arginine, which is basic and polar, at codon 434 of the PPP3CA protein (p.Ser434Arg). In summary, the available evidence is currently insufficient to determine the role of this variant in disease. Therefore, it has been classified as a Variant of Uncertain Significance. Advanced modeling of protein sequence and biophysical properties (such as structural, functional, and spatial information, amino acid conservation, physicochemical variation, residue mobility, and thermodynamic stability) performed at Invitae indicates that this missense variant is not expected to disrupt PPP3CA protein function. This variant has not been reported in the literature in individuals affected with PPP3CA-related conditions.

NM_000944.5(PPP3CA):c.1302C>A (p.Ser434Arg)

Gene: PPP3CA (protein phosphatase 3 catalytic subunit alpha; minus strand). Cytogenetic location: 4q24.
Variant type: single nucleotide variant.
Coding change: c.1302C>A on transcript NM_000944.5 (MANE Select); coding-DNA position 1302, C replaced by A.
Protein change: p.Ser434Arg; replaces serine 434 with arginine.
Molecular consequence: missense variant.
Genome position (GRCh38, 1-based): chr4:101,032,304, G>T on the plus strand (C>A on the coding strand, the complement: PPP3CA is on the minus strand). VCF-style: chr4-101032304-G-T. GRCh37 (hg19) VCF-style: chr4-101953461-G-T.
Other names: c.1302C>A, p.Ser434Arg (NM_001130691.2); c.1176C>A, p.Ser392Arg (NM_001130692.2); short protein forms S434R, S392R.
Identifiers: ClinVar variation 2821125 (VCV002821125.4), dbSNP rs369318194, ClinGen allele CA357948028.